The following is an entry in ClinVar:

NM_004168.4(SDHA):c.378C>T (p.Thr126=)

Gene: SDHA (succinate dehydrogenase complex flavoprotein subunit A; plus strand). Cytogenetic location: 5p15.33.
Variant type: single nucleotide variant.
Coding change: c.378C>T on transcript NM_004168.4 (MANE Select); coding-DNA position 378, C replaced by T.
Protein change: p.Thr126=; no amino-acid change (threonine 126 retained).
Molecular consequence: synonymous variant. On other transcripts: intron variant (1).
Genome position (GRCh38, 1-based): chr5:225,484, C>T. VCF-style: chr5-225484-C-T. GRCh37 (hg19) VCF-style: chr5-225599-C-T.
Other names: c.378C>T, p.Thr126= (NM_001330758.2); c.313-399C>T (NM_001294332.2).
Identifiers: ClinVar variation 417256 (VCV000417256.15), dbSNP rs756039268, ClinGen allele CA3172806.

ClinVar aggregate classification (germline): Benign/Likely benign. Review status: criteria provided, multiple submitters, no conflicts (2 of 4 stars). 3 submissions from 3 submitters: Benign (1); Likely benign (2). Last evaluated 2025-12-19.

Conditions:
Mitochondrial complex II deficiency, nuclear type 1. Also called: SUCCINATE CoQ REDUCTASE DEFICIENCY. Identifiers: Orphanet 3208, MedGen C5700310, MONDO:0100294, OMIM 252011.
Pheochromocytoma/paraganglioma syndrome 5. Also called: SDHA-Related Hereditary Paraganglioma-Pheochromocytoma Syndrome; Paragangliomas 5. Identifiers: Orphanet 29072, MedGen C3279992, MONDO:0013602, OMIM 614165.
Hereditary cancer-predisposing syndrome. Also called: Neoplastic Syndromes, Hereditary; Hereditary Cancer Syndrome; Tumor predisposition; Hereditary neoplastic syndrome. Identifiers: Orphanet 140162, MedGen C0027672, MeSH D009386, MONDO:0015356.

Allele frequency attached by ClinVar (database versions not stated): gnomAD exomes below 0.00001 and 0.00001; gnomAD 0.00001; TOPMed 0.00001; ExAC 0.00002.

Submissions (3):

Labcorp Genetics (formerly Invitae), Labcorp
Classification: Likely benign for Pheochromocytoma/paraganglioma syndrome 5; Mitochondrial complex II deficiency, nuclear type 1. Last evaluated: 2025-12-19. Review status: criteria provided, single submitter. Criteria: Invitae Variant Classification Sherloc (09022015). Collection method: clinical testing. Allele origin: germline.

Myriad Genetics, Inc.
Classification: Benign for Pheochromocytoma/paraganglioma syndrome 5. Last evaluated: 2025-02-28. Review status: criteria provided, single submitter. Criteria: Myriad Autosomal Dominant, Autosomal Recessive and X-Linked Classification Criteria (2023). Collection method: clinical testing. Allele origin: unknown.
Comment: This variant is considered benign. This variant is a silent/synonymous amino acid change and it is not expected to impact splicing.

Ambry Genetics
Classification: Likely benign for Hereditary cancer-predisposing syndrome. Last evaluated: 2015-12-06. Review status: criteria provided, single submitter. Criteria: Ambry Variant Classification Scheme 2023. Collection method: clinical testing. Allele origin: germline.